The following is an entry in ClinVar:

NM_015978.3(TNNI3K):c.1864A>G (p.Thr622Ala)

Genes: FPGT-TNNI3K (FPGT-TNNI3K readthrough; plus strand), TNNI3K (TNNI3 interacting kinase; plus strand). Cytogenetic location: 1p31.1.
Variant type: single nucleotide variant.
Coding change: c.1864A>G on transcript NM_015978.3 (MANE Select); coding-DNA position 1864, A replaced by G.
Protein change: p.Thr622Ala; replaces threonine 622 with alanine.
Molecular consequence: missense variant.
Genome position (GRCh38, 1-based): chr1:74,436,512, A>G. VCF-style: chr1-74436512-A-G. GRCh37 (hg19) VCF-style: chr1-74902196-A-G.
Other names: c.2167A>G, p.Thr723Ala (NM_001112808.3, NM_001199327.2); short protein forms T622A, T723A.
Identifiers: ClinVar variation 2704109 (VCV002704109.3), dbSNP rs567526985, ClinGen allele CA340789016.

ClinVar aggregate classification (germline): Uncertain significance (1 of 4 stars; one submission).

Allele frequency attached by ClinVar (database versions not stated): gnomAD exomes below 0.00001.
gnomAD v4.1: 2 of 1,587,384 alleles (0.00013%); highest among the groups gnomAD compares: Non-Finnish European, 0.00017%; no homozygotes.

Submission:

Labcorp Genetics (formerly Invitae), Labcorp
Classification: Uncertain significance. Last evaluated: 2023-12-19. Review status: criteria provided, single submitter. Criteria: Invitae Variant Classification Sherloc (09022015). Collection method: clinical testing. Allele origin: germline.
Comment: This sequence change replaces threonine, which is neutral and polar, with alanine, which is neutral and non-polar, at codon 622 of the TNNI3K protein (p.Thr622Ala). This variant is not present in population databases (gnomAD no frequency). This variant has not been reported in the literature in individuals affected with TNNI3K-related conditions. An algorithm developed to predict the effect of missense changes on protein structure and function (PolyPhen-2) suggests that this variant is likely to be disruptive. In summary, the available evidence is currently insufficient to determine the role of this variant in disease. Therefore, it has been classified as a Variant of Uncertain Significance.